The following is an entry in ClinVar:

ClinVar aggregate classification (germline): Uncertain significance. Review status: criteria provided, multiple submitters, no conflicts (2 of 4 stars). 2 submissions from 2 submitters: Uncertain significance (2). Last evaluated 2025-10-01.

gnomAD v4.1: 75 of 1,614,160 alleles (0.0046%); highest among the groups gnomAD compares: Middle Eastern, 0.033%; no homozygotes.

Submissions (2):

Labcorp Genetics (formerly Invitae), Labcorp
Classification: Uncertain significance. Last evaluated: 2025-10-01. Review status: criteria provided, single submitter. Criteria: Invitae Variant Classification Sherloc (09022015). Collection method: clinical testing. Allele origin: germline.
Comment: This sequence change replaces arginine, which is basic and polar, with tryptophan, which is neutral and slightly polar, at codon 326 of the CASZ1 protein (p.Arg326Trp). This variant is present in population databases (rs200719150, gnomAD 0.03%). This variant has not been reported in the literature in individuals affected with CASZ1-related conditions. ClinVar contains an entry for this variant (Variation ID: 3713950). An algorithm developed to predict the effect of missense changes on protein structure and function (PolyPhen-2) suggests that this variant is likely to be disruptive. In summary, the available evidence is currently insufficient to determine the role of this variant in disease. Therefore, it has been classified as a Variant of Uncertain Significance.

Ambry Genetics
Classification: Uncertain significance. Last evaluated: 2025-01-09. Review status: criteria provided, single submitter. Criteria: Ambry Variant Classification Scheme 2023. Collection method: clinical testing. Allele origin: germline.

NM_001079843.3(CASZ1):c.976C>T (p.Arg326Trp)

Gene: CASZ1 (castor zinc finger 1; minus strand). Cytogenetic location: 1p36.22.
Variant type: single nucleotide variant.
Coding change: c.976C>T on transcript NM_001079843.3 (MANE Select); coding-DNA position 976, C replaced by T.
Protein change: p.Arg326Trp; replaces arginine 326 with tryptophan.
Molecular consequence: missense variant.
Genome position (GRCh38, 1-based): chr1:10,660,066, G>A on the plus strand (C>T on the coding strand, the complement: CASZ1 is on the minus strand). VCF-style: chr1-10660066-G-A. GRCh37 (hg19) VCF-style: chr1-10720123-G-A.
Other names: c.976C>T, p.Arg326Trp (NM_017766.5); c.976C>T (NM_001079843.1); short protein forms R326W.
Identifiers: ClinVar variation 3713950 (VCV003713950.3).